The following is an entry in ClinVar:

ClinVar aggregate classification (germline): Pathogenic (1 of 4 stars; one submission).

Submission:

Labcorp Genetics (formerly Invitae), Labcorp
Classification: Pathogenic. Last evaluated: 2024-04-08. Review status: criteria provided, single submitter. Criteria: Invitae Variant Classification Sherloc (09022015). Collection method: clinical testing. Allele origin: germline.
Comment: This sequence change creates a premature translational stop signal (p.Val279Trpfs*16) in the ARNT2 gene. It is expected to result in an absent or disrupted protein product. Loss-of-function variants in ARNT2 are known to be pathogenic (PMID: 24022475). This variant is not present in population databases (gnomAD no frequency). This variant has not been reported in the literature in individuals affected with ARNT2-related conditions. For these reasons, this variant has been classified as Pathogenic.

Literature cited by the submitters: PubMed 24022475.

NM_014862.4(ARNT2):c.835del (p.Val279fs)

Gene: ARNT2 (aryl hydrocarbon receptor nuclear translocator 2; plus strand). Cytogenetic location: 15q25.1.
Variant type: Deletion.
Coding change: c.835del on transcript NM_014862.4 (MANE Select); coding-DNA position 835, one base deleted (G; older notation c.835delG).
Protein change: p.Val279fs; shifts the reading frame from valine 279.
Molecular consequence: frameshift variant.
Genome position (GRCh38, 1-based): chr15:80,514,363, G deleted. VCF-style (leftmost placement, unchanged base first): chr15-80514362-TG-T. GRCh37 (hg19) VCF-style: chr15-80806703-TG-T.
Other names: short protein forms V279fs.
Identifiers: ClinVar variation 3679939 (VCV003679939.2).